The following is an entry in ClinVar:

NM_006267.5(RANBP2):c.1001_1003delinsGAG (p.Ile334_Lys335delinsArgGlu)

Gene: RANBP2 (RAN binding protein 2; plus strand). Cytogenetic location: 2q13.
Variant type: Indel.
Coding change: c.1001_1003delinsGAG on transcript NM_006267.5 (MANE Select); coding-DNA positions 1001 to 1003, TAA replaced by GAG.
Protein change: p.Ile334_Lys335delinsArgGlu.
Molecular consequence: missense variant.
Genome position (GRCh38, 1-based): chr2:108,746,736-108,746,738, TAA replaced by GAG. VCF-style: chr2-108746736-TAA-GAG. GRCh37 (hg19) VCF-style: chr2-109363192-TAA-GAG.
Identifiers: ClinVar variation 1701385 (VCV001701385.31), dbSNP rs2149198433, ClinGen allele CA2580063716.
Genomic context (GRCh38, chr2:108,746,736, plus strand): 5'-CATCAAATTAAGATTTTTGATTCTAAAATTATTAGGTTCCAAGACCAAAGATTAAATTAA[TAA>GAG]AAGGTGAAGCTGGACAAAATCTGCTGGAAATGATGGCCTGTGACCGACTGAGCCAATCAG-3'

ClinVar aggregate classification (germline): Likely benign (1 of 4 stars; one submission).

Submission:

CeGaT Center for Human Genetics Tuebingen
Classification: Likely benign. Last evaluated: 2022-03-01. Review status: criteria provided, single submitter. Criteria: CeGaT Center For Human Genetics Tuebingen Variant Classification Criteria Version 2. Collection method: clinical testing. Allele origin: germline. Affected: yes. Observed: 1 variant allele.
Comment: RANBP2: BS1